The following is an entry in ClinVar:

ClinVar aggregate classification (germline): Likely benign. Review status: criteria provided, multiple submitters, no conflicts (2 of 4 stars). 3 submissions from 3 submitters: Likely benign (3). Last evaluated 2026-07-01.

Allele frequency attached by ClinVar (database versions not stated): gnomAD exomes 0.00032; gnomAD 0.00036 and 0.00037; ExAC 0.00043; ESP Exome Variant Server 0.00062; 1000 Genomes Project 30x 0.00016; 1000 Genomes Project 0.00020; TOPMed 0.00031.
gnomAD v4.1: 877 of 1,612,472 alleles (0.054%); highest among the groups gnomAD compares: Middle Eastern, 0.12%; no homozygotes.

Submissions (3):

CeGaT Center for Human Genetics Tuebingen
Classification: Likely benign. Last evaluated: 2026-07-01. Review status: criteria provided, single submitter. Criteria: CeGaT Center For Human Genetics Tuebingen Variant Classification Criteria Version 2. Collection method: clinical testing. Allele origin: germline. Affected: yes. Observed: 5 variant alleles.
Comment: PPP2R1A: BP4, BP7

Labcorp Genetics (formerly Invitae), Labcorp
Classification: Likely benign. Last evaluated: 2026-01-19. Review status: criteria provided, single submitter. Criteria: Invitae Variant Classification Sherloc (09022015). Collection method: clinical testing. Allele origin: germline.

Breakthrough Genomics
Classification: Likely benign. Review status: criteria provided, single submitter. Criteria: ACMG Guidelines, 2015. Collection method: not provided. Allele origin: germline. Inheritance: Autosomal dominant inheritance. Affected: yes.

NM_014225.6(PPP2R1A):c.285G>A (p.Ser95=)

Gene: PPP2R1A (protein phosphatase 2 scaffold subunit Aalpha; plus strand). Cytogenetic location: 19q13.41.
Variant type: single nucleotide variant.
Coding change: c.285G>A on transcript NM_014225.6 (MANE Select); coding-DNA position 285, G replaced by A.
Protein change: p.Ser95=; no amino-acid change (serine 95 retained).
Molecular consequence: synonymous variant. On other transcripts: 5 prime UTR variant (1), non-coding transcript variant (1).
Genome position (GRCh38, 1-based): chr19:52,211,274, G>A. VCF-style: chr19-52211274-G-A. GRCh37 (hg19) VCF-style: chr19-52714527-G-A.
Other names: c.-253G>A (NM_001363656.2).
Identifiers: ClinVar variation 739841 (VCV000739841.33), dbSNP rs142069409, ClinGen allele CA9621313.